The following is an entry in ClinVar:

ClinVar aggregate classification (germline): Pathogenic (1 of 4 stars; one submission).

Conditions:
Hereditary spastic paraplegia 4. Also called: Spastic paraplegia 4, autosomal dominant; Familial spastic paraplegia autosomal dominant 2; Spastic Paraplegia 4. Identifiers: Orphanet 100985, MedGen C1866855, MONDO:0008438, OMIM 182601.

Submission:

Neurology Department, Peking University First Hospital
Classification: Pathogenic for Hereditary spastic paraplegia 4. Last evaluated: 2025-07-01. Review status: criteria provided, single submitter. Criteria: ACMG Guidelines, 2015. Collection method: clinical testing. Allele origin: germline. Inheritance: Autosomal dominant inheritance. Affected: yes. Observed: 3 variant alleles.
Comment: PVS1+PM2+PP3

NM_014946.4(SPAST):c.1328_1329delinsCCTAGAG (p.Val443delinsAlaTer)

Gene: SPAST (spastin; plus strand). Cytogenetic location: 2p22.3.
Variant type: Indel.
Coding change: c.1328_1329delinsCCTAGAG on transcript NM_014946.4 (MANE Select); coding-DNA positions 1328 to 1329, TT replaced by CCTAGAG.
Protein change: p.Val443delinsAlaTer.
Molecular consequence: nonsense.
Genome position (GRCh38, 1-based): chr2:32,136,883-32,136,884, TT replaced by CCTAGAG. VCF-style: chr2-32136883-TT-CCTAGAG. GRCh37 (hg19) VCF-style: chr2-32361952-TT-CCTAGAG.
Other names: c.1325_1326delinsCCTAGAG, p.Val442delinsAlaTer (NM_001363823.2); c.1229_1230delinsCCTAGAG, p.Val410delinsAlaTer (NM_001363875.2); c.1232_1233delinsCCTAGAG, p.Val411delinsAlaTer (NM_001377959.1, NM_199436.2).
Identifiers: ClinVar variation 4076123 (VCV004076123.1).